The following is an entry in ClinVar:

ClinVar aggregate classification (germline): Uncertain significance (1 of 4 stars; one submission).

gnomAD v4.1: 6 of 1,614,186 alleles (0.00037%); highest among the groups gnomAD compares: Admixed American, 0.01%; no homozygotes.

Submission:

Labcorp Genetics (formerly Invitae), Labcorp
Classification: Uncertain significance. Last evaluated: 2024-03-19. Review status: criteria provided, single submitter. Criteria: Invitae Variant Classification Sherloc (09022015). Collection method: clinical testing. Allele origin: germline.
Comment: This sequence change replaces leucine, which is neutral and non-polar, with histidine, which is basic and polar, at codon 1397 of the TNS2 protein (p.Leu1397His). This variant is present in population databases (rs781399585, gnomAD 0.009%). This variant has not been reported in the literature in individuals affected with TNS2-related conditions. ClinVar contains an entry for this variant (Variation ID: 2082294). An algorithm developed to predict the effect of missense changes on protein structure and function (PolyPhen-2) suggests that this variant is likely to be tolerated. In summary, the available evidence is currently insufficient to determine the role of this variant in disease. Therefore, it has been classified as a Variant of Uncertain Significance.

NM_170754.4(TNS2):c.4160T>A (p.Leu1387His)

Gene: TNS2 (tensin 2; plus strand). Cytogenetic location: 12q13.13.
Variant type: single nucleotide variant.
Coding change: c.4160T>A on transcript NM_170754.4 (MANE Select); coding-DNA position 4160, T replaced by A.
Protein change: p.Leu1387His; replaces leucine 1387 with histidine.
Molecular consequence: missense variant.
Genome position (GRCh38, 1-based): chr12:53,063,812, T>A. VCF-style: chr12-53063812-T-A. GRCh37 (hg19) VCF-style: chr12-53457596-T-A.
Other names: c.4160T>A, p.Leu1387His (NM_001416202.1); c.4118T>A, p.Leu1373His (NM_001416203.1); c.4187T>A, p.Leu1396His (NM_001416204.1); c.4091T>A, p.Leu1364His (NM_015319.3); c.3788T>A, p.Leu1263His (NM_198316.2); short protein forms L1397H, L1263H, L1387H, L1364H, L1373H, L1396H.
Identifiers: ClinVar variation 2082294 (VCV002082294.4), dbSNP rs781399585, ClinGen allele CA6593123.